The following is an entry in ClinVar:

NM_001376.5(DYNC1H1):c.10650G>A (p.Thr3550=)

Gene: DYNC1H1 (dynein cytoplasmic 1 heavy chain 1; plus strand). Cytogenetic location: 14q32.31.
Variant type: single nucleotide variant.
Coding change: c.10650G>A on transcript NM_001376.5 (MANE Select); coding-DNA position 10650, G replaced by A.
Protein change: p.Thr3550=; no amino-acid change (threonine 3550 retained).
Molecular consequence: synonymous variant.
Genome position (GRCh38, 1-based): chr14:102,034,348, G>A. VCF-style: chr14-102034348-G-A. GRCh37 (hg19) VCF-style: chr14-102500685-G-A.
Identifiers: ClinVar variation 539814 (VCV000539814.17), dbSNP rs143068719, ClinGen allele CA7353457.

ClinVar aggregate classification (germline): Likely benign. Review status: criteria provided, multiple submitters, no conflicts (2 of 4 stars). 5 submissions from 5 submitters: Likely benign (5). Last evaluated 2026-01-27.

Conditions:
DYNC1H1-related disorder. Also called: DYNC1H1-related condition; DYNC1H1-related disorders. Identifiers: MedGen CN381529.
Inborn genetic diseases. Identifiers: MedGen C0950123, MeSH D030342.
Charcot-Marie-Tooth disease axonal type 2O. Also called: CHARCOT-MARIE-TOOTH NEUROPATHY, AXONAL, TYPE 2O; CHARCOT-MARIE-TOOTH DISEASE, AXONAL, AUTOSOMAL DOMINANT, TYPE 2O; Charcot-Marie-Tooth disease, axonal, type 20; Charcot-Marie-Tooth Neuropathy Type 2O. Identifiers: Orphanet 284232, MedGen C3280220, MONDO:0013644, OMIM 614228.

Allele frequency attached by ClinVar (database versions not stated): gnomAD 0.00005 and 0.00006; gnomAD exomes 0.00007; ExAC 0.00008; ESP Exome Variant Server 0.00008; TOPMed 0.00009.
gnomAD v4.1: 57 of 1,614,092 alleles (0.0035%); highest among the groups gnomAD compares: African/African-American, 0.0093%; no homozygotes.

Submissions (5):

Labcorp Genetics (formerly Invitae), Labcorp
Classification: Likely benign for Charcot-Marie-Tooth disease axonal type 2O. Last evaluated: 2026-01-27. Review status: criteria provided, single submitter. Criteria: Invitae Variant Classification Sherloc (09022015). Collection method: clinical testing. Allele origin: germline.

PreventionGenetics, part of Exact Sciences
Classification: Likely benign for DYNC1H1-related condition. Last evaluated: 2025-02-14. Review status: criteria provided, single submitter. Criteria: ACMG Guidelines, 2015. Collection method: clinical testing. Allele origin: germline.
Comment: This variant is classified as likely benign based on ACMG/AMP sequence variant interpretation guidelines (Richards et al. 2015 PMID: 25741868, with internal and published modifications).

Blueprint Genetics
Classification: Likely benign. Last evaluated: 2023-05-23. Review status: criteria provided, single submitter. Criteria: ACMG Guidelines, 2015. Collection method: clinical testing. Allele origin: germline.

GeneDx
Classification: Likely benign. Last evaluated: 2020-01-28. Review status: criteria provided, single submitter. Criteria: GeneDx Variant Classification Process June 2021. Collection method: clinical testing. Allele origin: germline. Affected: yes.

Ambry Genetics
Classification: Likely benign for Inborn genetic diseases. Last evaluated: 2018-06-12. Review status: criteria provided, single submitter. Criteria: Ambry Variant Classification Scheme 2023. Collection method: clinical testing. Allele origin: germline.